The following is an entry in ClinVar:

ClinVar aggregate classification (germline): Uncertain significance (1 of 4 stars; one submission).

Submission:

GeneDx
Classification: Uncertain significance. Last evaluated: 2022-12-19. Review status: criteria provided, single submitter. Criteria: GeneDx Variant Classification Process June 2021. Collection method: clinical testing. Allele origin: germline. Affected: yes.
Comment: Not observed at significant frequency in large population cohorts (gnomAD); In silico analysis supports that this missense variant has a deleterious effect on protein structure/function; Has not been previously published as pathogenic or benign to our knowledge

NM_004380.3(CREBBP):c.7142G>T (p.Gly2381Val)

Gene: CREBBP (CREB binding protein; minus strand). Cytogenetic location: 16p13.3.
Variant type: single nucleotide variant.
Coding change: c.7142G>T on transcript NM_004380.3 (MANE Select); coding-DNA position 7142, G replaced by T.
Protein change: p.Gly2381Val; replaces glycine 2381 with valine.
Molecular consequence: missense variant.
Genome position (GRCh38, 1-based): chr16:3,727,905, C>A on the plus strand (G>T on the coding strand, the complement: CREBBP is on the minus strand). VCF-style: chr16-3727905-C-A. GRCh37 (hg19) VCF-style: chr16-3777906-C-A.
Other names: c.7028G>T, p.Gly2343Val (NM_001079846.1); short protein forms G2343V, G2381V.
Identifiers: ClinVar variation 2505618 (VCV002505618.1), dbSNP rs2151298999, ClinGen allele CA394550445.